The following is an entry in ClinVar:

ClinVar aggregate classification (germline): Uncertain significance (1 of 4 stars; one submission).

Conditions:
Hereditary cancer-predisposing syndrome. Also called: Neoplastic Syndromes, Hereditary; Tumor predisposition; Hereditary neoplastic syndrome; Hereditary Cancer Syndrome. Identifiers: Orphanet 140162, MedGen C0027672, MeSH D009386, MONDO:0015356.

Submission:

Ambry Genetics
Classification: Uncertain significance for Hereditary cancer-predisposing syndrome. Last evaluated: 2026-07-07. Review status: criteria provided, single submitter. Criteria: Ambry Variant Classification Scheme 2023. Collection method: clinical testing. Allele origin: germline.
Comment: The p.A52E variant (also known as c.155C>A), located in coding exon 2 of the PTCH1 gene, results from a C to A substitution at nucleotide position 155. The alanine at codon 52 is replaced by glutamic acid, an amino acid with dissimilar properties. This amino acid position is conserved. In addition, this alteration is predicted to be deleterious by in silico analysis. Based on the available evidence, the clinical significance of this variant remains unclear.

NM_000264.5(PTCH1):c.353C>A (p.Ala118Glu)

Gene: PTCH1 (patched 1; minus strand). Cytogenetic location: 9q22.32.
Variant type: single nucleotide variant.
Coding change: c.353C>A on transcript NM_000264.5 (MANE Select); coding-DNA position 353, C replaced by A.
Protein change: p.Ala118Glu; replaces alanine 118 with glutamic acid.
Molecular consequence: missense variant. On other transcripts: 5 prime UTR variant (4), non-coding transcript variant (1).
Genome position (GRCh38, 1-based): chr9:95,506,448, G>T on the plus strand (C>A on the coding strand, the complement: PTCH1 is on the minus strand). VCF-style: chr9-95506448-G-T. GRCh37 (hg19) VCF-style: chr9-98268730-G-T.
Other names: c.155C>A, p.Ala52Glu (NM_001083602.3, NM_001354919.2); c.350C>A, p.Ala117Glu (NM_001083603.3); c.-101C>A (NM_001083604.3, NM_001083605.3, NM_001083606.3 and 1 more transcripts); c.353C>A, p.Ala118Glu (NM_001354918.2); short protein forms A52E, A117E, A118E.
Identifiers: ClinVar variation 5027490 (VCV005027490.1).
Genomic context (GRCh38, chr9:95,506,448, plus strand): 5'-CCGCGGCGGGCGCTCTTACCTTCCACCCACAGCTCCTCCACGTTGGTCTCGAGGTTCGCT[G>T]CTTTTAATCCCACCGCGAAGGCCCCAAATATGAGGAGGCCCACAACCAAGAACTTGCCGC-3'
Protein context (NP_000255.2, residues 108-128): IFGAFAVGLK[Ala118Glu]ANLETNVEEL